The following is an entry in ClinVar:

NM_015443.4(KANSL1):c.1533+252G>T

Gene: KANSL1 (KAT8 regulatory NSL complex subunit 1). Cytogenetic location: 17q21.31.
Variant type: single nucleotide variant.
Coding change: c.1533+252G>T on transcript NM_015443.4 (MANE Select); 252 bases into the intron after coding-DNA position 1533, G replaced by T.
Molecular consequence: intron variant.
Genome position (GRCh38, 1-based): chr17:46,082,189, C>A on the plus strand (G>T on the coding strand, the complement: KANSL1 is on the minus strand). VCF-style: chr17-46082189-C-A. GRCh37 (hg19) VCF-style: chr17-44159555-C-A.
Other names: c.1533+252G>T (NM_001193465.2, NM_001379198.1, NM_001193466.2).
Identifiers: ClinVar variation 668805 (VCV000668805.1), dbSNP rs77138434, ClinGen allele CA15895904.

ClinVar aggregate classification (germline): Benign (1 of 4 stars; one submission).

Allele frequency attached by ClinVar (database versions not stated): 1000 Genomes Project 30x 0.08542; 1000 Genomes Project 0.08626; gnomAD 0.14193 and 0.14477; TOPMed 0.14812.
gnomAD v4.1: 21,805 of 152,178 alleles (14%); highest among the groups gnomAD compares: Non-Finnish European, 22%; 2,136 homozygotes.

Submission:

GeneDx
Classification: Benign. Last evaluated: 2018-06-19. Review status: criteria provided, single submitter. Criteria: GeneDx Variant Classification (06012015). Collection method: clinical testing. Allele origin: germline. Affected: yes.
Comment: This variant is considered likely benign or benign based on one or more of the following criteria: it is a conservative change, it occurs at a poorly conserved position in the protein, it is predicted to be benign by multiple in silico algorithms, and/or has population frequency not consistent with disease.